The following is an entry in ClinVar:

NM_005138.3(SCO2):c.-14+9G>A

Genes: SCO2 (synthesis of cytochrome C oxidase 2; minus strand), LOC130067861 (ATAC-STARR-seq lymphoblastoid silent region 13985; plus strand). Cytogenetic location: 22q13.33.
Variant type: single nucleotide variant.
Coding change: c.-14+9G>A on transcript NM_005138.3 (MANE Select); 9 bases into the intron after 14 bases upstream of the start codon, G replaced by A.
Molecular consequence: intron variant. On other transcripts: 5 prime UTR variant (1).
Genome position (GRCh38, 1-based): chr22:50,525,463, C>T on the plus strand (G>A on the coding strand, the complement: SCO2 is on the minus strand). VCF-style: chr22-50525463-C-T. GRCh37 (hg19) VCF-style: chr22-50963892-C-T.
Other names: c.-35G>A (NM_001169111.2); c.-14+783G>A (NM_001169109.2); c.-14+538G>A (NM_001169110.1).
Identifiers: ClinVar variation 380677 (VCV000380677.1), dbSNP rs1057520877, ClinGen allele CA16609104.

ClinVar aggregate classification (germline): Likely benign (1 of 4 stars; one submission).

Allele frequency attached by ClinVar (database versions not stated): gnomAD exomes 0.00001.
gnomAD v4.1: 2 of 455,772 alleles (0.00044%); highest among the groups gnomAD compares: Non-Finnish European, 0.00079%; no homozygotes.

Submission:

GeneDx
Classification: Likely benign. Last evaluated: 2015-10-01. Review status: criteria provided, single submitter. Criteria: GeneDx Variant Classification (06012015). Collection method: clinical testing. Allele origin: germline. Affected: yes.
Comment: This variant is considered likely benign or benign based on one or more of the following criteria: it is a conservative change, it occurs at a poorly conserved position in the protein, it is predicted to be benign by multiple in silico algorithms, and/or has population frequency not consistent with disease.